The following is an entry in ClinVar:

NM_000384.3(APOB):c.6513A>G (p.Leu2171=)

Gene: APOB (apolipoprotein B; minus strand). Cytogenetic location: 2p24.1.
Variant type: single nucleotide variant.
Coding change: c.6513A>G on transcript NM_000384.3 (MANE Select); coding-DNA position 6513, A replaced by G.
Protein change: p.Leu2171=; no amino-acid change (leucine 2171 retained).
Molecular consequence: synonymous variant.
Genome position (GRCh38, 1-based): chr2:21,010,355, T>C on the plus strand (A>G on the coding strand, the complement: APOB is on the minus strand). VCF-style: chr2-21010355-T-C. GRCh37 (hg19) VCF-style: chr2-21233227-T-C.
Identifiers: ClinVar variation 255985 (VCV000255985.36), dbSNP rs547853968, ClinGen allele CA063308.
Genomic context (GRCh38, chr2:21,010,355, plus strand): 5'-TAAATCATAACTATCTTTAATATACTGATCAAATTGTATCATATATGTCTGCAGTTGAGA[T>C]AGTTTTTCATTAAAGTTGATTTTGGCATCATCTAATGCAATTTGTATATCATTTTCTGTA-3'
Protein context (NP_000375.3, residues 2161-2181): DDAKINFNEK[Leu2171=]SQLQTYMIQF

ClinVar aggregate classification (germline): Conflicting classifications of pathogenicity. Review status: criteria provided, conflicting classifications (1 of 4 stars). 10 submissions from 9 submitters: Uncertain significance (1); Benign (4); Likely benign (5). Last evaluated 2026-01-19.

Conditions:
Cardiovascular phenotype. Identifiers: MedGen CN230736.
Familial hypobetalipoproteinemia 1. Also called: APOB-Related Familial Hypobetalipoproteinemia; Hypobetalipoproteinemia, normotriglyceridemic; Acanthocytosis with hypobetalipoproteinemia. Identifiers: MedGen C4551990, MONDO:0014252, OMIM 615558.
Hypercholesterolemia, autosomal dominant, type B (FHCL2). Also called: APOB-Related Familial Hypercholesterolemia, Autosomal Dominant; HYPERCHOLESTEROLEMIA, FAMILIAL, DUE TO LIGAND-DEFECTIVE APOLIPOPROTEIN B; Familial Hypercholesterolemia Type B; APOLIPOPROTEIN B-100, FAMILIAL DEFECTIVE; APOLIPOPROTEIN B-100, FAMILIAL LIGAND-DEFECTIVE; Hyperlipoproteinemia Type IIb. Identifiers: MedGen C1704417, MONDO:0007751, OMIM 144010.
Familial hypercholesterolemia. Also called: Familial hypercholesterolaemia; Familial hypercholesterolemias. Identifiers: MedGen C0020445, MONDO:0005439.

Allele frequency attached by ClinVar (database versions not stated): gnomAD 0.00003 and 0.00036; TOPMed 0.00007; gnomAD exomes 0.00049 and 0.00097; ExAC 0.00115; 1000 Genomes Project 0.00120; 1000 Genomes Project 30x 0.00125.

Submissions (10):

Labcorp Genetics (formerly Invitae), Labcorp
Classification: Benign for Familial hypobetalipoproteinemia 1; Hypercholesterolemia, autosomal dominant, type B. Last evaluated: 2026-01-19. Review status: criteria provided, single submitter. Criteria: Invitae Variant Classification Sherloc (09022015). Collection method: clinical testing. Allele origin: germline.

CeGaT Center for Human Genetics Tuebingen
Classification: Likely benign. Last evaluated: 2025-08-01. Review status: criteria provided, single submitter. Criteria: CeGaT Center For Human Genetics Tuebingen Variant Classification Criteria Version 2. Collection method: clinical testing. Allele origin: germline. Affected: yes. Observed: 1 variant allele.
Comment: APOB: BP4, BP7

Quest Diagnostics Nichols Institute San Juan Capistrano
Classification: Benign. Last evaluated: 2025-07-21. Review status: criteria provided, single submitter. Criteria: Quest Diagnostics criteria. Collection method: clinical testing. Allele origin: unknown.

Blueprint Genetics
Classification: Likely benign. Last evaluated: 2024-11-25. Review status: criteria provided, single submitter. Criteria: ACMG Guidelines, 2015. Collection method: clinical testing. Allele origin: germline.

GENinCode PLC
Classification: Benign for Familial hypercholesterolemia. Last evaluated: 2023-05-18. Review status: criteria provided, single submitter. Criteria: ACMG Guidelines, 2015. Collection method: clinical testing. Allele origin: germline.

Ambry Genetics
Classification: Likely benign for Cardiovascular phenotype. Last evaluated: 2022-06-06. Review status: criteria provided, single submitter. Criteria: Ambry Variant Classification Scheme 2023. Collection method: clinical testing. Allele origin: germline.

GeneDx
Classification: Likely benign. Last evaluated: 2018-07-25. Review status: criteria provided, single submitter. Criteria: GeneDx Variant Classification Process June 2021. Collection method: clinical testing. Allele origin: germline. Affected: yes.

Illumina Laboratory Services, Illumina
Classification: Uncertain significance for Familial hypobetalipoproteinemia 1. Last evaluated: 2018-01-13. Review status: criteria provided, single submitter. Criteria: ICSL Variant Classification Criteria 13 December 2019. Collection method: clinical testing. Allele origin: germline.

Illumina Laboratory Services, Illumina
Classification: Likely benign for Hypercholesterolemia, autosomal dominant, type B. Last evaluated: 2018-01-13. Review status: criteria provided, single submitter. Criteria: ICSL Variant Classification Criteria 13 December 2019. Collection method: clinical testing. Allele origin: germline.
Comment: This variant was observed in the ICSL laboratory as part of a predisposition screen in an ostensibly healthy population. It had not been previously curated by ICSL or reported in the Human Gene Mutation Database (HGMD: prior to June 1st, 2018), and was therefore a candidate for classification through an automated scoring system. Utilizing variant allele frequency, disease prevalence and penetrance estimates, and inheritance mode, an automated score was calculated to assess if this variant is too frequent to cause the disease. Based on the score and internal cut-off values, a variant classified as likely benign is not then subjected to further curation. The score for this variant resulted in a classification of likely benign for this disease.

PreventionGenetics, part of Exact Sciences
Classification: Benign. Review status: criteria provided, single submitter. Criteria: ACMG Guidelines, 2015. Collection method: clinical testing. Allele origin: germline.